The following is an entry in ClinVar:

NM_006059.4(LAMC3):c.1033_1039del (p.Ser345fs)

Gene: LAMC3 (laminin subunit gamma 3; plus strand). Cytogenetic location: 9q34.12.
Variant type: Deletion.
Coding change: c.1033_1039del on transcript NM_006059.4 (MANE Select); coding-DNA positions 1033 to 1039, 7 bases deleted (AGCACAG; older notation c.1033_1039delAGCACAG).
Protein change: p.Ser345fs; shifts the reading frame from serine 345.
Molecular consequence: frameshift variant.
Genome position (GRCh38, 1-based): chr9:131,038,920-131,038,926, AGCACAG deleted. VCF-style (leftmost placement, unchanged base first): chr9-131038919-CAGCACAG-C. GRCh37 (hg19) VCF-style: chr9-133914306-CAGCACAG-C.
Other names: short protein forms S345fs.
Identifiers: ClinVar variation 521645 (VCV000521645.7), dbSNP rs1426926688, ClinGen allele CA590945630.

ClinVar aggregate classification (germline): Pathogenic. Review status: criteria provided, multiple submitters, no conflicts (2 of 4 stars). 2 submissions from 2 submitters: Pathogenic (2). Last evaluated 2024-10-17.

Conditions:
Inborn genetic diseases. Identifiers: MedGen C0950123, MeSH D030342.

Allele frequency attached by ClinVar (database versions not stated): gnomAD 0.00001; gnomAD exomes 0.00001 and 0.00002; TOPMed 0.00001.

Submissions (2):

Labcorp Genetics (formerly Invitae), Labcorp
Classification: Pathogenic. Last evaluated: 2024-10-17. Review status: criteria provided, single submitter. Criteria: Invitae Variant Classification Sherloc (09022015). Collection method: clinical testing. Allele origin: germline.
Comment: This sequence change creates a premature translational stop signal (p.Ser345Alafs*61) in the LAMC3 gene. It is expected to result in an absent or disrupted protein product. Loss-of-function variants in LAMC3 are known to be pathogenic (PMID: 21572413, 26802095). This variant is present in population databases (no rsID available, gnomAD 0.002%). This variant has not been reported in the literature in individuals affected with LAMC3-related conditions. ClinVar contains an entry for this variant (Variation ID: 521645). For these reasons, this variant has been classified as Pathogenic.

Ambry Genetics
Classification: Pathogenic for Inborn genetic diseases. Last evaluated: 2017-04-12. Review status: criteria provided, single submitter. Criteria: Ambry exome assertion method (8-5-2015). Collection method: clinical testing. Allele origin: germline. Affected: yes. Observed: 1 variant allele.

Literature cited by the submitters: PubMed 21572413 (cited by Labcorp Genetics (formerly Invitae), Labcorp); PubMed 26802095 (cited by Labcorp Genetics (formerly Invitae), Labcorp).